The following is an entry in ClinVar:

NM_001355436.2(SPTB):c.6061G>C (p.Ala2021Pro)

Gene: SPTB (spectrin beta, erythrocytic; minus strand). Cytogenetic location: 14q23.3.
Variant type: single nucleotide variant.
Coding change: c.6061G>C on transcript NM_001355436.2 (MANE Select); coding-DNA position 6061, G replaced by C.
Protein change: p.Ala2021Pro; replaces alanine 2021 with proline.
Molecular consequence: missense variant.
Genome position (GRCh38, 1-based): chr14:64,767,821, C>G on the plus strand (G>C on the coding strand, the complement: SPTB is on the minus strand). VCF-style: chr14-64767821-C-G. GRCh37 (hg19) VCF-style: chr14-65234539-C-G.
Other names: p.Ala2021Pro; c.6061G>C, p.Ala2021Pro (NM_001024858.4, NM_001355437.2); short protein forms A2021P.
Identifiers: ClinVar variation 811398 (VCV000811398.17), dbSNP rs929734499, ClinGen allele CA262682848.

ClinVar aggregate classification (germline): Uncertain significance. Review status: criteria provided, multiple submitters, no conflicts (2 of 4 stars). 4 submissions from 4 submitters: Uncertain significance (4). Last evaluated 2026-01-06.

Allele frequency attached by ClinVar (database versions not stated): gnomAD 0.00002; gnomAD exomes below 0.00001; TOPMed 0.00002.
gnomAD v4.1: 5 of 1,614,060 alleles (0.00031%); highest among the groups gnomAD compares: African/African-American, 0.0067%; no homozygotes.

Submissions (4):

Labcorp Genetics (formerly Invitae), Labcorp
Classification: Uncertain significance. Last evaluated: 2026-01-06. Review status: criteria provided, single submitter. Criteria: Invitae Variant Classification Sherloc (09022015). Collection method: clinical testing. Allele origin: germline.
Comment: This sequence change replaces alanine, which is neutral and non-polar, with proline, which is neutral and non-polar, at codon 2021 of the SPTB protein (p.Ala2021Pro). This variant is present in population databases (no rsID available, gnomAD 0.008%). This variant has not been reported in the literature in individuals affected with SPTB-related conditions. ClinVar contains an entry for this variant (Variation ID: 811398). An algorithm developed to predict the effect of missense changes on protein structure and function (PolyPhen-2) suggests that this variant is likely to be disruptive. In summary, the available evidence is currently insufficient to determine the role of this variant in disease. Therefore, it has been classified as a Variant of Uncertain Significance.

ARUP Laboratories, Molecular Genetics and Genomics, ARUP Laboratories
Classification: Uncertain significance. Last evaluated: 2025-01-08. Review status: criteria provided, single submitter. Criteria: ARUP Molecular Germline Variant Investigation Process 2024. Collection method: clinical testing. Allele origin: germline.
Comment: The SPTB c.6061G>C; p.Ala2021Pro variant (rs929734499), to our knowledge, is not reported in the medical literature but is reported in ClinVar (Variation ID: 811398). This variant is only observed on two alleles in the Genome Aggregation Database (v2.1.1), indicating it is not a common polymorphism. Computational analyses are uncertain whether this variant is neutral or deleterious (REVEL: 0.683). Due to limited information, the clinical significance of this variant is uncertain at this time.

Mayo Clinic Laboratories, Mayo Clinic
Classification: Uncertain significance. Last evaluated: 2024-10-18. Review status: criteria provided, single submitter. Criteria: ACMG Guidelines, 2015. Collection method: clinical testing. Allele origin: germline. Observed: 2 variant alleles.

Revvity Omics, Revvity
Classification: Uncertain significance. Last evaluated: 2023-10-12. Review status: criteria provided, single submitter. Criteria: ACMG Guidelines, 2015. Collection method: clinical testing. Allele origin: germline.